The following is an entry in ClinVar:

NM_004211.5(SLC6A5):c.31A>T (p.Lys11Ter)

Gene: SLC6A5 (solute carrier family 6 member 5; plus strand). Cytogenetic location: 11p15.1.
Variant type: single nucleotide variant.
Coding change: c.31A>T on transcript NM_004211.5 (MANE Select); coding-DNA position 31, A replaced by T.
Protein change: p.Lys11Ter; replaces lysine 11 with a stop codon.
Molecular consequence: nonsense. On other transcripts: 5 prime UTR variant (1).
Genome position (GRCh38, 1-based): chr11:20,601,156, A>T. VCF-style: chr11-20601156-A-T. GRCh37 (hg19) VCF-style: chr11-20622702-A-T.
Other names: c.-533A>T (NM_001318369.2); short protein forms K11*.
Identifiers: ClinVar variation 2858966 (VCV002858966.3), dbSNP rs2494092557, ClinGen allele CA379910537.

ClinVar aggregate classification (germline): Pathogenic (1 of 4 stars; one submission).

Conditions:
Hyperekplexia 3 (HKPX3). Also called: HYPEREKPLEXIA 3, AUTOSOMAL RECESSIVE; HYPEREKPLEXIA 3, AUTOSOMAL DOMINANT. Identifiers: Orphanet 3197, MedGen C3553288, MONDO:0013827, OMIM 614618.

Submission:

Labcorp Genetics (formerly Invitae), Labcorp
Classification: Pathogenic for Hyperekplexia 3. Last evaluated: 2023-04-24. Review status: criteria provided, single submitter. Criteria: Invitae Variant Classification Sherloc (09022015). Collection method: clinical testing. Allele origin: germline.
Comment: For these reasons, this variant has been classified as Pathogenic. This variant has not been reported in the literature in individuals affected with SLC6A5-related conditions. This variant is not present in population databases (gnomAD no frequency). This sequence change creates a premature translational stop signal (p.Lys11*) in the SLC6A5 gene. It is expected to result in an absent or disrupted protein product. Loss-of-function variants in SLC6A5 are known to be pathogenic (PMID: 14622583, 16751771, 22700964).

Literature cited by the submitters: PubMed 14622583; PubMed 16751771; PubMed 22700964.